The following is an entry in ClinVar:

ClinVar aggregate classification (germline): Likely benign. Review status: criteria provided, multiple submitters, no conflicts (2 of 4 stars). 3 submissions from 3 submitters: Likely benign (2). 1 of the submissions does not count toward it. Last evaluated 2025-02-15.

Conditions:
TTN-related disorder. Also called: TTN-related disorders; TTN-related condition; TTN-related disease.
Cardiovascular phenotype. Identifiers: MedGen CN230736.
Dilated cardiomyopathy 1G (CMD1G). Identifiers: Orphanet 154, MedGen C1858763, MONDO:0011400, OMIM 604145.
Autosomal recessive limb-girdle muscular dystrophy type 2J (LGMDR10). Also called: Limb-girdle muscular dystrophy, type 2J; MUSCULAR DYSTROPHY, LIMB-GIRDLE, AUTOSOMAL RECESSIVE 10. Identifiers: Orphanet 140922, MedGen C1837342, MONDO:0012127, OMIM 608807.

Allele frequency attached by ClinVar (database versions not stated): gnomAD exomes 0.00001; TOPMed 0.00001; ExAC 0.00002.
gnomAD v4.1: 16 of 1,599,668 alleles (0.001%); highest among the groups gnomAD compares: Admixed American, 0.0052%; no homozygotes.

Submissions (3):

Labcorp Genetics (formerly Invitae), Labcorp
Classification: Likely benign for Dilated cardiomyopathy 1G; Autosomal recessive limb-girdle muscular dystrophy type 2J. Last evaluated: 2025-02-15. Review status: criteria provided, single submitter. Criteria: Invitae Variant Classification Sherloc (09022015). Collection method: clinical testing. Allele origin: germline.

Ambry Genetics
Classification: Likely benign for Cardiovascular phenotype. Last evaluated: 2022-12-13. Review status: criteria provided, single submitter. Criteria: Ambry Variant Classification Scheme 2023. Collection method: clinical testing. Allele origin: germline.

PreventionGenetics, part of Exact Sciences
Classification: Likely benign for TTN-related condition. Last evaluated: 2019-03-07. Review status: no assertion criteria provided. Collection method: clinical testing. Allele origin: germline. Not counted in ClinVar's aggregate classification.
Comment: This variant is classified as likely benign based on ACMG/AMP sequence variant interpretation guidelines (Richards et al. 2015 PMID: 25741868, with internal and published modifications).

NM_001267550.2(TTN):c.83409C>T (p.Val27803=)

Genes: TTN (titin; minus strand), TTN-AS1 (TTN antisense RNA 1; plus strand). Cytogenetic location: 2q31.2.
Variant type: single nucleotide variant.
Coding change: c.83409C>T on transcript NM_001267550.2 (MANE Select); coding-DNA position 83409, C replaced by T.
Protein change: p.Val27803=; no amino-acid change (valine 27803 retained).
Molecular consequence: synonymous variant.
Genome position (GRCh38, 1-based): chr2:178,562,723, G>A on the plus strand (C>T on the coding strand, the complement: TTN is on the minus strand). VCF-style: chr2-178562723-G-A. GRCh37 (hg19) VCF-style: chr2-179427450-G-A.
Other names: c.78486C>T, p.Val26162= (NM_001256850.1); c.56214C>T, p.Val18738= (NM_003319.4); c.75705C>T, p.Val25235= (NM_133378.4); c.56589C>T, p.Val18863= (NM_133432.3); c.56790C>T, p.Val18930= (NM_133437.4).
Identifiers: ClinVar variation 1077210 (VCV001077210.12), dbSNP rs767194702, ClinGen allele CA1988923.